The following is an entry in ClinVar:

NM_001378609.3(OTOGL):c.1078C>T (p.Arg360Ter)

Gene: OTOGL (otogelin like; plus strand). Cytogenetic location: 12q21.31.
Variant type: single nucleotide variant.
Coding change: c.1078C>T on transcript NM_001378609.3 (MANE Select); coding-DNA position 1078, C replaced by T.
Protein change: p.Arg360Ter; replaces arginine 360 with a stop codon.
Molecular consequence: nonsense.
Genome position (GRCh38, 1-based): chr12:80,251,718, C>T. VCF-style: chr12-80251718-C-T. GRCh37 (hg19) VCF-style: chr12-80645498-C-T.
Other names: c.1078C>T, p.Arg360Ter (NM_001368062.3, NM_001378610.3, NM_173591.7); short protein forms R351*, R360*.
Identifiers: ClinVar variation 667382 (VCV000667382.21), dbSNP rs368844341, ClinGen allele CA6700364.

ClinVar aggregate classification (germline): Conflicting classifications of pathogenicity. Review status: criteria provided, conflicting classifications (1 of 4 stars). 9 submissions from 9 submitters: Pathogenic (2); Likely pathogenic (6); Uncertain significance (1). Last evaluated 2026-03-05.

Conditions:
Monogenic hearing loss.
Rare genetic deafness. Identifiers: Orphanet 96210, MedGen C5680250.
OTOGL-related disorder. Also called: OTOGL-related condition.
Autosomal recessive nonsyndromic hearing loss 84B. Also called: Deafness, autosomal recessive 84b. Identifiers: Orphanet 90636, MedGen C3554159, MONDO:0013984, OMIM 614944.

Allele frequency attached by ClinVar (database versions not stated): TOPMed 0.00002; gnomAD exomes 0.00005; ESP Exome Variant Server 0.00008; ExAC 0.00015; gnomAD 0.00016.
gnomAD v4.1: 123 of 1,591,532 alleles (0.0077%); highest among the groups gnomAD compares: Non-Finnish European, 0.0099%; no homozygotes.

Submissions (9):

PreventionGenetics, part of Exact Sciences
Classification: Likely pathogenic for OTOGL-related condition. Last evaluated: 2026-03-05. Review status: criteria provided, single submitter. Criteria: ACMG Guidelines, 2015. Collection method: clinical testing. Allele origin: germline.
Comment: The OTOGL c.1051C>T variant is predicted to result in premature protein termination (p.Arg351*). To our knowledge, this variant has not been reported in the literature. This variant is reported in 0.012% of alleles in individuals of European (Non-Finnish) descent in gnomAD. Nonsense variants in OTOGL are expected to be pathogenic. Pathogenic protein chain terminating variants have been reported upstream and downstream of this variant, providing further evidence of pathogenicity for this variant. This variant is interpreted as likely pathogenic.

Genetics Laboratory, Great Ormond Street Hospital NHS Foundation Trust, North Thames Genomic Laboratory Hub
Classification: Likely pathogenic for Monogenic hearing loss. Last evaluated: 2025-12-29. Review status: criteria provided, single submitter. Criteria: ACGS Best Practice Guidelines for Variant Classification in Rare Disease 2024 v1.2. Collection method: clinical testing. Allele origin: germline. Affected: yes.
Comment: PM2_supporting, PVS1_very-strong

Variantyx, Inc.
Classification: Likely pathogenic for Autosomal recessive nonsyndromic hearing loss 84B. Last evaluated: 2025-05-21. Review status: criteria provided, single submitter. Criteria: Variantyx Assertion Criteria 2022. Collection method: clinical testing. Allele origin: germline. Inheritance: Autosomal recessive inheritance. Affected: yes.
Comment: This is a nonsense variant in the OTOGL gene (OMIM: 614925). Pathogenic variants in this gene have been associated with autosomal recessive deafness 84B. This variant introduces a premature termination codon in exon 12 out of 59 and is expected to result in loss of function, which is a known disease mechanism for OTOGL in this disorder (PMID: 23122586) (PVS1). This variant has a 0.0099% maximum allele frequency in non-founder control populations (PM2). Based on the current evidence, this variant is classified as likely pathogenic for autosomal recessive deafness 84B.

GeneDx
Classification: Uncertain significance. Last evaluated: 2025-04-23. Review status: criteria provided, single submitter. Criteria: GeneDx Variant Classification Process June 2021. Collection method: clinical testing. Allele origin: germline. Affected: yes.
Comment: Has not been previously published as pathogenic or benign to our knowledge; Nonsense variant predicted to result in protein truncation or nonsense mediated decay in a gene for which loss of function is a known mechanism of disease

Revvity Omics, Revvity
Classification: Likely pathogenic for Autosomal recessive nonsyndromic hearing loss 84B. Last evaluated: 2024-11-18. Review status: criteria provided, single submitter. Criteria: ACMG Guidelines, 2015. Collection method: clinical testing. Allele origin: germline.

Institute of Human Genetics Munich, TUM University Hospital
Classification: Pathogenic for Autosomal recessive nonsyndromic hearing loss 84B. Last evaluated: 2024-07-22. Review status: criteria provided, single submitter. Criteria: Classification criteria August 2017. Collection method: clinical testing. Allele origin: maternal. Inheritance: Autosomal recessive inheritance. Affected: yes. Observed: 1 variant allele.

Blueprint Genetics
Classification: Likely pathogenic for OTOGL-related disorders. Last evaluated: 2024-07-05. Review status: criteria provided, single submitter. Criteria: ACMG Guidelines, 2015. Collection method: clinical testing. Allele origin: germline. Affected: yes. Observed: 5 variant alleles.

Labcorp Genetics (formerly Invitae), Labcorp
Classification: Pathogenic. Last evaluated: 2023-12-04. Review status: criteria provided, single submitter. Criteria: Invitae Variant Classification Sherloc (09022015). Collection method: clinical testing. Allele origin: germline.
Comment: This sequence change creates a premature translational stop signal (p.Arg351*) in the OTOGL gene. It is expected to result in an absent or disrupted protein product. Loss-of-function variants in OTOGL are known to be pathogenic (PMID: 23122586). This variant is present in population databases (rs368844341, gnomAD 0.01%). This variant has not been reported in the literature in individuals affected with OTOGL-related conditions. ClinVar contains an entry for this variant (Variation ID: 667382). For these reasons, this variant has been classified as Pathogenic.

Laboratory for Molecular Medicine, Mass General Brigham Personalized Medicine
Classification: Likely pathogenic for Rare genetic deafness. Last evaluated: 2018-04-10. Review status: criteria provided, single submitter. Criteria: LMM Criteria. Collection method: clinical testing. Allele origin: germline. Inheritance: Autosomal recessive inheritance. Observed: 1 variant allele.
Comment: It has also been identified in 13/105938 Eur opean chromosomes by the Genome Aggregation Database (gnomAD; dbSNP rs368844341), which is low enough to be consistent with a recessive carrier frequency. This nonsense variant leads to a premature terminat ion codon at position 351, which is predicted to lead to a truncated or absent p rotein. Loss of function of the OTOGL gene is an established disease mechanism i n autosomal recessive hearing loss. In summary, although additional studies are required to fully establish its clinical significance, the p.Arg351X variant is likely pathogenic. ACMG/AMP Criteria applied: PVS1; PM3.

Literature cited by the submitters: PubMed 23122586 (cited by Variantyx, Inc. and Labcorp Genetics (formerly Invitae), Labcorp).